The following is an entry in ClinVar:

ClinVar aggregate classification (germline): Pathogenic. Review status: criteria provided, multiple submitters, no conflicts (2 of 4 stars). 6 submissions from 6 submitters: Pathogenic (6). Last evaluated 2026-07-30.

Conditions:
RASA1-related disorder. Also called: RASA1-related condition.
Basal cell carcinoma, susceptibility to, 1. Also called: BCC1. Identifiers: MedGen C2751544, MONDO:0011556, OMIM 605462.
Capillary malformation-arteriovenous malformation 1 (CMAVM1). Identifiers: Orphanet 137667, Orphanet 693907, MedGen C4747394, MONDO:0020783, OMIM 608354.
Capillary malformation-arteriovenous malformation syndrome. Also called: Capillary malformation-arteriovenous malformation. Identifiers: Orphanet 137667, MedGen C1842180, MONDO:0012016.

Allele frequency attached by ClinVar (database versions not stated): gnomAD 0.00001; gnomAD exomes below 0.00001; TOPMed below 0.00001.
gnomAD v4.1: 3 of 1,610,722 alleles (0.00019%); highest among the groups gnomAD compares: Non-Finnish European, 0.00017%; no homozygotes.

Submissions (6):

GeneDx
Classification: Pathogenic. Last evaluated: 2026-07-30. Review status: criteria provided, single submitter. Criteria: GeneDx Variant Classification Process June 2021. Collection method: clinical testing. Allele origin: germline.
Comment: Nonsense variant predicted to result in protein truncation or nonsense mediated decay in a gene for which loss-of-function is a known mechanism of disease; Not observed at significant frequency in large population cohorts (gnomAD); This variant is associated with the following publications: (PMID: 26969842, 29891884, 34113214, Sun2023[CaseReport], 24038909)

Clinical Genomics Laboratory, Washington University in St. Louis
Classification: Pathogenic for Capillary malformation-arteriovenous malformation 1. Last evaluated: 2024-08-09. Review status: criteria provided, single submitter. Criteria: ACMG Guidelines, 2015. Collection method: clinical testing. Allele origin: germline. Affected: yes.
Comment: A RASA1 c.2245C>T (p.Arg749*) variant was identified at a near heterozygous allelic fraction of 47.3%, a frequency which may be consistent with it being of germline origin. This variant has been reported in several individuals affected with capillary malformation-arteriovenous malformation syndrome (Revencu N et al., PMID: 24038909; Wooderchak-Donahue WL et al., PMID: 29891884; Macmurdo CF et al., PMID: 26969842) and has been reported in three cancer cases as a somatic variant in the cancer database COSMIC (COSMIC ID: COSV57193684). This variant has been reported in the ClinVar database as a pathogenic variant by three submitters (ClinVar ID: 565648). It is only observed on 3/1,610,722 alleles in the general population (gnomAD v4.1.0), indicating it is not a common variant. The RASA1 c.2245C>T (p.Arg749*) variant causes a premature truncation codon, which is predicted to result in nonsense-mediated decay, and loss of function is the known disease mechanism (Revencu N et al., PMID: 24038909). Based on available information and the ACMG/AMP guidelines for variant interpretation (Richards S et al., PMID: 25741868), the RASA1 c.2245C>T (p.Arg749*) variant is classified as pathogenic.

Fulgent Genetics
Classification: Pathogenic for Basal cell carcinoma, susceptibility to, 1; Capillary malformation-arteriovenous malformation 1. Last evaluated: 2022-02-01. Review status: criteria provided, single submitter. Criteria: ACMG Guidelines, 2015. Collection method: clinical testing. Allele origin: unknown.

Blueprint Genetics
Classification: Pathogenic for RASA1-related disorders. Last evaluated: 2019-08-19. Review status: criteria provided, single submitter. Criteria: ACMG Guidelines, 2015. Collection method: clinical testing. Allele origin: germline. Affected: yes. Observed: 1 variant allele.

Labcorp Genetics (formerly Invitae), Labcorp
Classification: Pathogenic for Capillary malformation-arteriovenous malformation syndrome. Last evaluated: 2018-08-03. Review status: criteria provided, single submitter. Criteria: Invitae Variant Classification Sherloc (09022015). Collection method: clinical testing. Allele origin: germline.
Comment: For these reasons, this variant has been classified as Pathogenic. Loss-of-function variants in RASA1 are known to be pathogenic (PMID: 24038909). This variant has been observed in an individual with capillary malformation (PMID: 24038909). This variant is not present in population databases (ExAC no frequency). This sequence change creates a premature translational stop signal (p.Arg749*) in the RASA1 gene. It is expected to result in an absent or disrupted protein product.

Juno Genomics, Hangzhou Juno Genomics, Inc
Classification: Pathogenic for Basal cell carcinoma, susceptibility to, 1; Capillary malformation-arteriovenous malformation 1. Review status: criteria provided, single submitter. Criteria: ACMG Guidelines, 2015. Collection method: clinical testing. Allele origin: germline.
Comment: Absent from controls (or at extremely low frequency if recessive) in Genome Aggregation Database.;Null variant in a gene where loss of function (LOF) is a known mechanism of disease.;The prevalence of the variant in affected individuals is significantly increased compared to the prevalence in controls.;Patient's phenotype or family history is highly specific for a disease with a single genetic etiology.

Literature cited by the submitters: PubMed 24038909 (cited by Labcorp Genetics (formerly Invitae), Labcorp).

NM_002890.3(RASA1):c.2245C>T (p.Arg749Ter)

Genes: CCNH (cyclin H; minus strand), RASA1 (RAS p21 protein activator 1; plus strand). Cytogenetic location: 5q14.3.
Variant type: single nucleotide variant.
Coding change: c.2245C>T on transcript NM_002890.3 (MANE Select); coding-DNA position 2245, C replaced by T.
Protein change: p.Arg749Ter; replaces arginine 749 with a stop codon.
Molecular consequence: nonsense. On other transcripts: intron variant (1).
Genome position (GRCh38, 1-based): chr5:87,376,941, C>T. VCF-style: chr5-87376941-C-T. GRCh37 (hg19) VCF-style: chr5-86672758-C-T.
Other names: c.1714C>T, p.Arg572Ter (NM_022650.3); c.933+18103G>A (NM_001364075.2); short protein forms R749*, R572*.
Identifiers: ClinVar variation 565648 (VCV000565648.19), dbSNP rs1204340475, ClinGen allele CA360380506.